The following is an entry in ClinVar:

NM_001290043.2(TAP2):c.247G>C (p.Val83Leu)

Gene: TAP2 (transporter 2, ATP binding cassette subfamily B member; minus strand). Cytogenetic location: 6p21.32.
Variant type: single nucleotide variant.
Coding change: c.247G>C on transcript NM_001290043.2 (MANE Select); coding-DNA position 247, G replaced by C.
Protein change: p.Val83Leu; replaces valine 83 with leucine.
Molecular consequence: missense variant.
Genome position (GRCh38, 1-based): chr6:32,837,987, C>G on the plus strand (G>C on the coding strand, the complement: TAP2 is on the minus strand). VCF-style: chr6-32837987-C-G. GRCh37 (hg19) VCF-style: chr6-32805764-C-G.
Other names: c.247G>C, p.Val83Leu (NM_000544.3, NM_018833.3); short protein forms V83L.
Identifiers: ClinVar variation 1484311 (VCV001484311.6), dbSNP rs2127367812, ClinGen allele CA363586885.
Genomic context (GRCh38, chr6:32,837,987, plus strand): 5'-GCAGCCAGCTCCAAGGGGCTGAAGCGACTCTGGCTGGGGGAGCACGTGAGGCCCCCGCGA[C>G]CAGGGCTCTCAGGGAGACAGTCAGGGGGGTGGCCAGACAGAGCGGGAGCAGCAGTGTCCC-3'
Protein context (NP_001276972.1, residues 73-93): TPLTVSLRAL[Val83Leu]AGASRAPPAR

ClinVar aggregate classification (germline): Uncertain significance (1 of 4 stars; one submission).

Conditions:
MHC class I deficiency. Identifiers: Orphanet 34592, MedGen C6024714, MONDO:0011476.

Submission:

Labcorp Genetics (formerly Invitae), Labcorp
Classification: Uncertain significance for MHC class I deficiency 1. Last evaluated: 2022-08-23. Review status: criteria provided, single submitter. Criteria: Invitae Variant Classification Sherloc (09022015). Collection method: clinical testing. Allele origin: germline.
Comment: ClinVar contains an entry for this variant (Variation ID: 1484311). This variant has not been reported in the literature in individuals affected with TAP2-related conditions. This variant is not present in population databases (gnomAD no frequency). This sequence change replaces valine, which is neutral and non-polar, with leucine, which is neutral and non-polar, at codon 83 of the TAP2 protein (p.Val83Leu). Algorithms developed to predict the effect of missense changes on protein structure and function are either unavailable or do not agree on the potential impact of this missense change (SIFT: "Deleterious"; PolyPhen-2: "Not Available"; Align-GVGD: "Class C0"). In summary, the available evidence is currently insufficient to determine the role of this variant in disease. Therefore, it has been classified as a Variant of Uncertain Significance.